The following is an entry in ClinVar:

NM_001905.4(CTPS1):c.439-3T>C

Gene: CTPS1 (CTP synthase 1; plus strand). Cytogenetic location: 1p34.2.
Variant type: single nucleotide variant.
Coding change: c.439-3T>C on transcript NM_001905.4 (MANE Select); 3 bases into the intron before coding-DNA position 439, T replaced by C.
Molecular consequence: intron variant. On other transcripts: 5 prime UTR variant (1).
Genome position (GRCh38, 1-based): chr1:40,988,591, T>C. VCF-style: chr1-40988591-T-C. GRCh37 (hg19) VCF-style: chr1-41454263-T-C.
Other names: c.-33T>C (NM_001301237.2).
Identifiers: ClinVar variation 3720098 (VCV003720098.2).

ClinVar aggregate classification (germline): Uncertain significance (1 of 4 stars; one submission).

Conditions:
Combined immunodeficiency due to CTPS1 deficiency. Also called: Immunodeficiency 24; Severe combined immunodeficiency due to CTPS1 deficiency. Identifiers: Orphanet 420573, MedGen C4014617, MONDO:0014391, OMIM 615897.

gnomAD v4.1: 9 of 1,610,266 alleles (0.00056%); highest among the groups gnomAD compares: East Asian, 0.018%; no homozygotes.

Submission:

Labcorp Genetics (formerly Invitae), Labcorp
Classification: Uncertain significance for Combined immunodeficiency due to CTPS1 deficiency. Last evaluated: 2024-10-10. Review status: criteria provided, single submitter. Criteria: Invitae Variant Classification Sherloc (09022015). Collection method: clinical testing. Allele origin: germline.
Comment: This sequence change falls in intron 4 of the CTPS1 gene. It does not directly change the encoded amino acid sequence of the CTPS1 protein. It affects a nucleotide within the consensus splice site. This variant is present in population databases (no rsID available, gnomAD 0.003%). This variant has not been reported in the literature in individuals affected with CTPS1-related conditions. Variants that disrupt the consensus splice site are a relatively common cause of aberrant splicing (PMID: 17576681, 9536098). Algorithms developed to predict the effect of sequence changes on RNA splicing suggest that this variant is not likely to affect RNA splicing. In summary, the available evidence is currently insufficient to determine the role of this variant in disease. Therefore, it has been classified as a Variant of Uncertain Significance.

Literature cited by the submitters: PubMed 17576681; PubMed 9536098.